The following is an entry in ClinVar:

NM_000382.3(ALDH3A2):c.1254T>C (p.Thr418=)

Gene: ALDH3A2 (aldehyde dehydrogenase 3 family member A2; plus strand). Cytogenetic location: 17p11.2.
Variant type: single nucleotide variant.
Coding change: c.1254T>C on transcript NM_000382.3 (MANE Select); coding-DNA position 1254, T replaced by C.
Protein change: p.Thr418=; no amino-acid change (threonine 418 retained).
Molecular consequence: synonymous variant. On other transcripts: intron variant (1).
Genome position (GRCh38, 1-based): chr17:19,671,767, T>C. VCF-style: chr17-19671767-T-C. GRCh37 (hg19) VCF-style: chr17-19575080-T-C.
Other names: c.1254T>C, p.Thr418= (NM_001031806.2, NM_001369136.1, NM_001369137.2 and 2 more transcripts); c.675T>C, p.Thr225= (NM_001369148.2); c.1208-3791T>C (NM_001369146.2).
Identifiers: ClinVar variation 890170 (VCV000890170.36), dbSNP rs373251784, ClinGen allele CA8443054.

ClinVar aggregate classification (germline): Conflicting classifications of pathogenicity. Review status: criteria provided, conflicting classifications (1 of 4 stars). 4 submissions from 4 submitters: Uncertain significance (1); Likely benign (3). Last evaluated 2026-01-19.

Conditions:
Sjögren-Larsson syndrome (SLS). Also called: ICHTHYOSIS, SPASTIC NEUROLOGIC DISORDER, AND OLIGOPHRENIA; FALDH DEFICIENCY; FATTY ALCOHOL:NAD+ OXIDOREDUCTASE DEFICIENCY; FATTY ALDEHYDE DEHYDROGENASE DEFICIENCY. Identifiers: Orphanet 816, MedGen C0037231, MONDO:0010031, OMIM 270200.

Allele frequency attached by ClinVar (database versions not stated): gnomAD 0.00006; ExAC 0.00008; gnomAD exomes 0.00008; TOPMed 0.00008; ESP Exome Variant Server 0.00015.
gnomAD v4.1: 133 of 1,614,066 alleles (0.0082%); highest among the groups gnomAD compares: Middle Eastern, 0.066%; no homozygotes.

Submissions (4):

Labcorp Genetics (formerly Invitae), Labcorp
Classification: Likely benign. Last evaluated: 2026-01-19. Review status: criteria provided, single submitter. Criteria: Invitae Variant Classification Sherloc (09022015). Collection method: clinical testing. Allele origin: germline.

Blueprint Genetics
Classification: Likely benign. Last evaluated: 2024-10-07. Review status: criteria provided, single submitter. Criteria: ACMG Guidelines, 2015. Collection method: clinical testing. Allele origin: germline.

CeGaT Center for Human Genetics Tuebingen
Classification: Likely benign. Last evaluated: 2024-05-01. Review status: criteria provided, single submitter. Criteria: CeGaT Center For Human Genetics Tuebingen Variant Classification Criteria Version 2. Collection method: clinical testing. Allele origin: germline. Affected: yes. Observed: 2 variant alleles.
Comment: ALDH3A2: BP4, BP7

Illumina Laboratory Services, Illumina
Classification: Uncertain significance for Sjögren-Larsson syndrome. Last evaluated: 2018-01-13. Review status: criteria provided, single submitter. Criteria: ICSL Variant Classification Criteria 13 December 2019. Collection method: clinical testing. Allele origin: germline.